The following is an entry in ClinVar:

NM_004444.5(EPHB4):c.1428_1447dup (p.Arg483fs)

Gene: EPHB4 (EPH receptor B4; minus strand). Cytogenetic location: 7q22.1.
Variant type: Duplication.
Coding change: c.1428_1447dup on transcript NM_004444.5 (MANE Select); coding-DNA positions 1428 to 1447, 20 bases duplicated (CGAGGGTCCCAGCAGCGTGC).
Protein change: p.Arg483fs; shifts the reading frame from arginine 483.
Molecular consequence: frameshift variant.
Genome position (GRCh38, 1-based): chr7:100,817,333-100,817,352, GCACGCTGCTGGGACCCTCG duplicated on the plus strand (CGAGGGTCCCAGCAGCGTGC on the coding strand, the reverse complement: EPHB4 is on the minus strand); duplicating any 20 consecutive bases within chr7:100,817,333-100,817,354 gives the same sequence; the c. name uses the placement nearest the transcript's 3' end. VCF-style (leftmost placement, unchanged base first): chr7-100817332-C-CGCACGCTGCTGGGACCCTCG. GRCh37 (hg19) VCF-style: chr7-100414954-C-CGCACGCTGCTGGGACCCTCG.
Other names: short protein forms R483fs.
Identifiers: ClinVar variation 2011806 (VCV002011806.4), dbSNP rs2485028768, ClinGen allele CA2580076007.

ClinVar aggregate classification (germline): Pathogenic (1 of 4 stars; one submission).

Submission:

Labcorp Genetics (formerly Invitae), Labcorp
Classification: Pathogenic. Last evaluated: 2022-09-03. Review status: criteria provided, single submitter. Criteria: Invitae Variant Classification Sherloc (09022015). Collection method: clinical testing. Allele origin: germline.
Comment: For these reasons, this variant has been classified as Pathogenic. This variant has not been reported in the literature in individuals affected with EPHB4-related conditions. This variant is not present in population databases (gnomAD no frequency). This sequence change creates a premature translational stop signal (p.Arg483Profs*10) in the EPHB4 gene. It is expected to result in an absent or disrupted protein product. Loss-of-function variants in EPHB4 are known to be pathogenic (PMID: 28687708).

Literature cited by the submitters: PubMed 28687708.